The following is an entry in ClinVar:

ClinVar aggregate classification (germline): Uncertain significance (1 of 4 stars; one submission).

Submission:

GeneDx
Classification: Uncertain significance. Last evaluated: 2023-06-22. Review status: criteria provided, single submitter. Criteria: GeneDx Variant Classification Process June 2021. Collection method: clinical testing. Allele origin: germline. Affected: yes.
Comment: Not observed at significant frequency in large population cohorts (gnomAD); In silico analysis supports that this missense variant has a deleterious effect on protein structure/function; Has not been previously published as pathogenic or benign to our knowledge

NM_001127392.3(MYRF):c.1742G>T (p.Gly581Val)

Gene: MYRF (myelin regulatory factor; plus strand). Cytogenetic location: 11q12.2.
Variant type: single nucleotide variant.
Coding change: c.1742G>T on transcript NM_001127392.3 (MANE Select); coding-DNA position 1742, G replaced by T.
Protein change: p.Gly581Val; replaces glycine 581 with valine.
Molecular consequence: missense variant.
Genome position (GRCh38, 1-based): chr11:61,777,415, G>T. VCF-style: chr11-61777415-G-T. GRCh37 (hg19) VCF-style: chr11-61544887-G-T.
Other names: c.1715G>T, p.Gly572Val (NM_013279.4); short protein forms G572V, G581V.
Identifiers: ClinVar variation 3359541 (VCV003359541.1).
Genomic context (GRCh38, chr11:61,777,415, plus strand): 5'-GCATCAACACAGACCGGCCGGATGAGGCGCTGGTTGTGCACGGGAATGTCAAGGTCATGG[G>T]CTCGCTTATGCACCCCTCCGACCTGCGCGCCAAGGAACACGTGCAGGAGGTGGGGACAGG-3'
Protein context (NP_001120864.1, residues 571-591): LVVHGNVKVM[Gly581Val]SLMHPSDLRA